The following is an entry in ClinVar:

ClinVar aggregate classification (germline): Pathogenic (1 of 4 stars; one submission).

Submission:

Labcorp Genetics (formerly Invitae), Labcorp
Classification: Pathogenic. Last evaluated: 2022-10-19. Review status: criteria provided, single submitter. Criteria: Invitae Variant Classification Sherloc (09022015). Collection method: clinical testing. Allele origin: germline.
Comment: For these reasons, this variant has been classified as Pathogenic. This variant has not been reported in the literature in individuals affected with CPLANE1-related conditions. This variant is not present in population databases (gnomAD no frequency). This sequence change creates a premature translational stop signal (p.Gln1965Lysfs*4) in the CPLANE1 gene. It is expected to result in an absent or disrupted protein product. Loss-of-function variants in CPLANE1 are known to be pathogenic (PMID: 24178751, 26092869).

Literature cited by the submitters: PubMed 24178751; PubMed 26092869.

NM_001384732.1(CPLANE1):c.5893del (p.Gln1965fs)

Gene: CPLANE1 (ciliogenesis and planar polarity effector complex subunit 1; minus strand). Cytogenetic location: 5p13.2.
Variant type: Deletion.
Coding change: c.5893del on transcript NM_001384732.1 (MANE Select); coding-DNA position 5893, one base deleted (C; older notation c.5893delC).
Protein change: p.Gln1965fs; shifts the reading frame from glutamine 1965.
Molecular consequence: frameshift variant.
Genome position (GRCh38, 1-based): chr5:37,177,628, G deleted on the plus strand (C on the coding strand, the reverse complement: CPLANE1 is on the minus strand). VCF-style (leftmost placement, unchanged base first): chr5-37177627-TG-T. GRCh37 (hg19) VCF-style: chr5-37177729-TG-T.
Other names: c.5893del, p.Gln1965fs (NM_023073.4); short protein forms Q1965fs.
Identifiers: ClinVar variation 2200256 (VCV002200256.4), dbSNP rs2547728137, ClinGen allele CA2580073243.